The following is an entry in ClinVar:

ClinVar aggregate classification (germline): Likely benign. Review status: criteria provided, multiple submitters, no conflicts (2 of 4 stars). 6 submissions from 6 submitters: Likely benign (4). 2 of the submissions do not count toward it. Last evaluated 2026-09-01.

Conditions:
Inborn genetic diseases. Identifiers: MedGen C0950123, MeSH D030342.

Allele frequency attached by ClinVar (database versions not stated): 1000 Genomes Project 0.00120; 1000 Genomes Project 30x 0.00172; TOPMed 0.00530; gnomAD 0.00557 and 0.00578; ESP Exome Variant Server 0.00638; gnomAD exomes 0.00766.

Submissions (6):

CeGaT Center for Human Genetics Tuebingen
Classification: Likely benign. Last evaluated: 2026-09-01. Review status: criteria provided, single submitter. Criteria: CeGaT Center For Human Genetics Tuebingen Variant Classification Criteria Version 2. Collection method: clinical testing. Allele origin: germline. Affected: yes. Observed: 18 variant alleles.
Comment: DDX11: BP4, BS2

Labcorp Genetics (formerly Invitae), Labcorp
Classification: Likely benign. Last evaluated: 2026-01-28. Review status: criteria provided, single submitter. Criteria: Invitae Variant Classification Sherloc (09022015). Collection method: clinical testing. Allele origin: germline.

Ambry Genetics
Classification: Likely benign for Inborn genetic diseases. Last evaluated: 2021-08-16. Review status: criteria provided, single submitter. Criteria: Ambry Variant Classification Scheme 2023. Collection method: clinical testing. Allele origin: germline.

Breakthrough Genomics
Classification: Likely benign. Review status: criteria provided, single submitter. Criteria: ACMG Guidelines, 2015. Collection method: not provided. Allele origin: germline. Inheritance: Autosomal recessive inheritance. Affected: yes.

Clinical Genetics DNA and cytogenetics Diagnostics Lab, Erasmus MC, Erasmus Medical Center
Classification: Likely benign. Review status: no assertion criteria provided. Collection method: clinical testing. Allele origin: germline. Affected: yes. Study: VKGL Data-share Consensus. Not counted in ClinVar's aggregate classification.

Laboratory of Diagnostic Genome Analysis, Leiden University Medical Center (LUMC)
Classification: Likely benign. Review status: no assertion criteria provided. Collection method: clinical testing. Allele origin: germline. Affected: yes. Study: VKGL Data-share Consensus. Not counted in ClinVar's aggregate classification.

NM_030653.4(DDX11):c.254A>G (p.His85Arg)

Gene: DDX11 (DEAD/H-box helicase 11; plus strand). Cytogenetic location: 12p11.21.
Variant type: single nucleotide variant.
Coding change: c.254A>G on transcript NM_030653.4 (MANE Select); coding-DNA position 254, A replaced by G.
Protein change: p.His85Arg; replaces histidine 85 with arginine.
Molecular consequence: missense variant.
Genome position (GRCh38, 1-based): chr12:31,083,922, A>G. VCF-style: chr12-31083922-A-G. GRCh37 (hg19) VCF-style: chr12-31236856-A-G.
Other names: c.254A>G, p.His85Arg (NM_001257144.2, NM_004399.3, NM_152438.2); c.176A>G, p.His59Arg (NM_001257145.2); short protein forms H59R, H85R.
Identifiers: ClinVar variation 774326 (VCV000774326.32), dbSNP rs138980593, ClinGen allele CA6500686.